The following is an entry in ClinVar:

NM_001256470.2(PLEKHA5):c.3777T>G (p.Pro1259=)

Gene: PLEKHA5 (pleckstrin homology domain containing A5; plus strand). Cytogenetic location: 12p12.3.
Variant type: single nucleotide variant.
Coding change: c.3777T>G on transcript NM_001256470.2 (MANE Select); coding-DNA position 3777, T replaced by G.
Protein change: p.Pro1259=; no amino-acid change (proline 1259 retained).
Molecular consequence: synonymous variant. On other transcripts: non-coding transcript variant (6), intron variant (5).
Genome position (GRCh38, 1-based): chr12:19,369,715, T>G. VCF-style: chr12-19369715-T-G. GRCh37 (hg19) VCF-style: chr12-19522649-T-G.
Other names: c.3453T>G, p.Pro1151= (NM_001143821.3, NM_001385933.1, NM_001385968.1); c.3225T>G, p.Pro1075= (NM_001256787.2); c.3759T>G, p.Pro1253= (NM_001385923.1); c.3741T>G, p.Pro1247= (NM_001385924.1); c.3723T>G, p.Pro1241= (NM_001385925.1); c.3657T>G, p.Pro1219= (NM_001385927.1); c.3609T>G, p.Pro1203= (NM_001385928.1); c.3588T>G, p.Pro1196= (NM_001385929.1); and 34 more.
Identifiers: ClinVar variation 3039205 (VCV003039205.2), dbSNP rs200523362, ClinGen allele CA6472942.
Genomic context (GRCh38, chr12:19,369,715, plus strand): 5'-AGATTTTTATCTTCTCCCATTTTCTTTGTGTGTTTTAGTGAAAAGTCTGTCCCCATCTCC[T>G]GAGTCCTCGGCATCGCCAGTTCCATCCACTCAGCCGCAGCTCACAGAAGGATCACATTTC-3'
Protein context (NP_001243399.1, residues 1249-1269): TMAVKSLSPS[Pro1259=]ESSASPVPST

ClinVar aggregate classification (germline): Likely benign (0 of 4 stars; one submission).

Conditions:
PLEKHA5-related disorder. Also called: PLEKHA5-related condition.

Allele frequency attached by ClinVar (database versions not stated): gnomAD exomes 0.00011; TOPMed 0.00037; 1000 Genomes Project 30x 0.00094; ExAC 0.00046; 1000 Genomes Project 0.00100; gnomAD 0.00031.
gnomAD v4.1: 298 of 1,611,668 alleles (0.018%); highest among the groups gnomAD compares: East Asian, 0.4%; no homozygotes.

Submission:

PreventionGenetics, part of Exact Sciences
Classification: Likely benign for PLEKHA5-related condition. Last evaluated: 2019-02-23. Review status: no assertion criteria provided. Collection method: clinical testing. Allele origin: germline.
Comment: This variant is classified as likely benign based on ACMG/AMP sequence variant interpretation guidelines (Richards et al. 2015 PMID: 25741868, with internal and published modifications).